The following is an entry in ClinVar:

NM_024642.5(GALNT12):c.821C>G (p.Pro274Arg)

Gene: GALNT12 (polypeptide N-acetylgalactosaminyltransferase 12; plus strand). Cytogenetic location: 9q22.33.
Variant type: single nucleotide variant.
Coding change: c.821C>G on transcript NM_024642.5 (MANE Select); coding-DNA position 821, C replaced by G.
Protein change: p.Pro274Arg; replaces proline 274 with arginine.
Molecular consequence: missense variant.
Genome position (GRCh38, 1-based): chr9:98,831,861, C>G. VCF-style: chr9-98831861-C-G. GRCh37 (hg19) VCF-style: chr9-101594143-C-G.
Other names: short protein forms P274R.
Identifiers: ClinVar variation 5022130 (VCV005022130.1).
Genomic context (GRCh38, chr9:98,831,861, plus strand): 5'-GCCCGGTGATTGATGTGATCGACTGGAACACCTTCGAATACCTGGGGAACTCCGGGGAGC[C>G]CCAGATCGGCGGTTTCGACTGGAGGCTGGTGTTCACGTGGCACACAGTTCCTGAGAGGGA-3'
Protein context (NP_078918.3, residues 264-284): TFEYLGNSGE[Pro274Arg]QIGGFDWRLV

ClinVar aggregate classification (germline): Uncertain significance (1 of 4 stars; one submission).

Submission:

Ambry Genetics
Classification: Uncertain significance. Last evaluated: 2026-06-20. Review status: criteria provided, single submitter. Criteria: Ambry Variant Classification Scheme 2023. Collection method: clinical testing. Allele origin: germline.
Comment: The p.P274R variant (also known as c.821C>G), located in coding exon 4 of the GALNT12 gene, results from a C to G substitution at nucleotide position 821. The proline at codon 274 is replaced by arginine, an amino acid with dissimilar properties. This amino acid position is conserved. In addition, this alteration is predicted to be deleterious by in silico analysis. Based on the available evidence, the clinical significance of this variant remains unclear.